The following is an entry in ClinVar:

ClinVar aggregate classification (germline): Pathogenic (1 of 4 stars; one submission).

Conditions:
Atrioventricular septal defect 5 (AVSD5). Identifiers: MedGen C3280939, MONDO:0013769, OMIM 614474.

Allele frequency attached by ClinVar (database versions not stated): gnomAD 0.00001.
gnomAD v4.1: 8 of 1,602,550 alleles (0.0005%); highest among the groups gnomAD compares: South Asian, 0.0022%; 1 homozygote.

Submission:

Labcorp Genetics (formerly Invitae), Labcorp
Classification: Pathogenic for Atrioventricular septal defect 5. Last evaluated: 2021-12-08. Review status: criteria provided, single submitter. Criteria: Invitae Variant Classification Sherloc (09022015). Collection method: clinical testing. Allele origin: germline.
Comment: This variant is not present in population databases (gnomAD no frequency). For these reasons, this variant has been classified as Pathogenic. This variant has not been reported in the literature in individuals affected with GATA6-related conditions. This sequence change creates a premature translational stop signal (p.Gln120*) in the GATA6 gene. It is expected to result in an absent or disrupted protein product. Loss-of-function variants in GATA6 are known to be pathogenic (PMID: 22158542, 24310933).

Literature cited by the submitters: PubMed 22158542; PubMed 24310933.

NM_005257.6(GATA6):c.358C>T (p.Gln120Ter)

Gene: GATA6 (GATA binding protein 6; plus strand). Cytogenetic location: 18q11.2.
Variant type: single nucleotide variant.
Coding change: c.358C>T on transcript NM_005257.6 (MANE Select); coding-DNA position 358, C replaced by T.
Protein change: p.Gln120Ter; replaces glutamine 120 with a stop codon.
Molecular consequence: nonsense.
Genome position (GRCh38, 1-based): chr18:22,171,502, C>T. VCF-style: chr18-22171502-C-T. GRCh37 (hg19) VCF-style: chr18-19751463-C-T.
Other names: short protein forms Q120*.
Identifiers: ClinVar variation 2038076 (VCV002038076.4), dbSNP rs1277769195, ClinGen allele CA401799493.
Genomic context (GRCh38, chr18:22,171,502, plus strand): 5'-GCGGGCCCCGGGGGCAACCTGTCGAGCTGGGAGGACTTGCTGCTGTTCACTGACCTCGAC[C>T]AAGCCGCGACCGCCAGCAAGCTGCTGTGGTCCAGCCGCGGCGCCAAGCTGAGCCCCTTCG-3'